The following is an entry in ClinVar:

NM_003701.4(TNFSF11):c.344C>T (p.Ser115Leu)

Genes: TNFSF11 (TNF superfamily member 11; plus strand), LOC126861752 (BRD4-independent group 4 enhancer GRCh37_chr13:43155073-43156272; plus strand). Cytogenetic location: 13q14.11.
Variant type: single nucleotide variant.
Coding change: c.344C>T on transcript NM_003701.4 (MANE Select); coding-DNA position 344, C replaced by T.
Protein change: p.Ser115Leu; replaces serine 115 with leucine.
Molecular consequence: missense variant.
Genome position (GRCh38, 1-based): chr13:42,581,250, C>T. VCF-style: chr13-42581250-C-T. GRCh37 (hg19) VCF-style: chr13-43155386-C-T.
Other names: c.125C>T, p.Ser42Leu (NM_033012.4); c.344C>T (NM_003701.3); short protein forms S42L, S115L.
Identifiers: ClinVar variation 2044087 (VCV002044087.4), dbSNP rs139451340, ClinGen allele CA249050469.
Genomic context (GRCh38, chr13:42,581,250, plus strand): 5'-AAAATGCAGATTTTCAAGACACAACTCTGGAGAGTCAAGATACAAAATTAATACCTGATT[C>T]ATGTAGGAGAATTAAACAGGCCTTTCAAGGAGCTGTGCAAAAGGTAAGTCCACATCGAGG-3'
Protein context (NP_003692.1, residues 105-125): ESQDTKLIPD[Ser115Leu]CRRIKQAFQG

ClinVar aggregate classification (germline): Uncertain significance. Review status: criteria provided, multiple submitters, no conflicts (2 of 4 stars). 2 submissions from 2 submitters: Uncertain significance (2). Last evaluated 2025-03-28.

Conditions:
Inborn genetic diseases. Identifiers: MedGen C0950123, MeSH D030342.

Allele frequency attached by ClinVar (database versions not stated): ESP Exome Variant Server 0.00008; gnomAD exomes below 0.00001.

Submissions (2):

Ambry Genetics
Classification: Uncertain significance for Inborn genetic diseases. Last evaluated: 2025-03-28. Review status: criteria provided, single submitter. Criteria: Ambry Variant Classification Scheme 2023. Collection method: clinical testing. Allele origin: germline.

Labcorp Genetics (formerly Invitae), Labcorp
Classification: Uncertain significance. Last evaluated: 2022-11-22. Review status: criteria provided, single submitter. Criteria: Invitae Variant Classification Sherloc (09022015). Collection method: clinical testing. Allele origin: germline.
Comment: This sequence change replaces serine, which is neutral and polar, with leucine, which is neutral and non-polar, at codon 115 of the TNFSF11 protein (p.Ser115Leu). This variant is not present in population databases (gnomAD no frequency). This variant has not been reported in the literature in individuals affected with TNFSF11-related conditions. Advanced modeling of protein sequence and biophysical properties (such as structural, functional, and spatial information, amino acid conservation, physicochemical variation, residue mobility, and thermodynamic stability) performed at Invitae indicates that this missense variant is not expected to disrupt TNFSF11 protein function. In summary, the available evidence is currently insufficient to determine the role of this variant in disease. Therefore, it has been classified as a Variant of Uncertain Significance.